The following is an entry in ClinVar:

NM_004629.2(FANCG):c.1428del (p.Phe476fs)

Gene: FANCG (FA complementation group G; minus strand). Cytogenetic location: 9p13.3.
Variant type: Deletion.
Coding change: c.1428del on transcript NM_004629.2 (MANE Select); coding-DNA position 1428, one base deleted (T; older notation c.1428delT).
Protein change: p.Phe476fs; shifts the reading frame from phenylalanine 476.
Molecular consequence: frameshift variant.
Genome position (GRCh38, 1-based): chr9:35,075,470, A deleted on the plus strand (T on the coding strand, the reverse complement: FANCG is on the minus strand); the first of 3 consecutive A bases (chr9:35,075,470-35,075,472); deleting any one gives the same sequence. VCF-style (leftmost placement, unchanged base first): chr9-35075469-TA-T. GRCh37 (hg19) VCF-style: chr9-35075466-TA-T.
Other names: short protein forms F476fs.
Identifiers: ClinVar variation 2057340 (VCV002057340.4), dbSNP rs2490397362, ClinGen allele CA2580080409.

ClinVar aggregate classification (germline): Pathogenic (1 of 4 stars; one submission).

Conditions:
Fanconi anemia (FA). Also called: Fanconi's anemia. Identifiers: Orphanet 84, MedGen C0015625, MeSH D005199, MONDO:0019391.

Submission:

Labcorp Genetics (formerly Invitae), Labcorp
Classification: Pathogenic for Fanconi anemia. Last evaluated: 2021-12-24. Review status: criteria provided, single submitter. Criteria: Invitae Variant Classification Sherloc (09022015). Collection method: clinical testing. Allele origin: germline.
Comment: This sequence change creates a premature translational stop signal (p.Phe476Leufs*42) in the FANCG gene. It is expected to result in an absent or disrupted protein product. Loss-of-function variants in FANCG are known to be pathogenic (PMID: 12552564). This variant is not present in population databases (gnomAD no frequency). This variant has not been reported in the literature in individuals affected with FANCG-related conditions. For these reasons, this variant has been classified as Pathogenic.

Literature cited by the submitters: PubMed 12552564.